The following is an entry in ClinVar:

ClinVar aggregate classification (germline): Uncertain significance (1 of 4 stars; one submission).

Allele frequency attached by ClinVar (database versions not stated): TOPMed below 0.00001; gnomAD 0.00001.
gnomAD v4.1: 1 of 1,613,926 alleles (0.000062%); highest among the groups gnomAD compares: Non-Finnish European, 0.000085%; no homozygotes.

Submission:

Labcorp Genetics (formerly Invitae), Labcorp
Classification: Uncertain significance. Last evaluated: 2023-07-17. Review status: criteria provided, single submitter. Criteria: Invitae Variant Classification Sherloc (09022015). Collection method: clinical testing. Allele origin: germline.
Comment: This sequence change replaces cysteine, which is neutral and slightly polar, with tyrosine, which is neutral and polar, at codon 428 of the LAMB1 protein (p.Cys428Tyr). This variant has not been reported in the literature in individuals affected with LAMB1-related conditions. In summary, the available evidence is currently insufficient to determine the role of this variant in disease. Therefore, it has been classified as a Variant of Uncertain Significance. An algorithm developed to predict the effect of missense changes on protein structure and function (PolyPhen-2) suggests that this variant is likely to be disruptive. This variant is not present in population databases (gnomAD no frequency).

NM_002291.3(LAMB1):c.1283G>A (p.Cys428Tyr)

Gene: LAMB1 (laminin subunit beta 1; minus strand). Cytogenetic location: 7q31.1.
Variant type: single nucleotide variant.
Coding change: c.1283G>A on transcript NM_002291.3 (MANE Select); coding-DNA position 1283, G replaced by A.
Protein change: p.Cys428Tyr; replaces cysteine 428 with tyrosine.
Molecular consequence: missense variant.
Genome position (GRCh38, 1-based): chr7:107,975,320, C>T on the plus strand (G>A on the coding strand, the complement: LAMB1 is on the minus strand). VCF-style: chr7-107975320-C-T. GRCh37 (hg19) VCF-style: chr7-107615765-C-T.
Other names: short protein forms C428Y.
Identifiers: ClinVar variation 2790470 (VCV002790470.3), dbSNP rs1417936443, ClinGen allele CA368877652.